The following is an entry in ClinVar:

ClinVar aggregate classification (germline): Uncertain significance. Review status: criteria provided, multiple submitters, no conflicts (2 of 4 stars). 2 submissions from 2 submitters: Uncertain significance (2). Last evaluated 2024-11-24.

Conditions:
Inborn genetic diseases. Identifiers: MedGen C0950123, MeSH D030342.

gnomAD v4.1: 1 of 1,614,148 alleles (0.000062%); highest among the groups gnomAD compares: Admixed American, 0.0017%; no homozygotes.

Submissions (2):

Ambry Genetics
Classification: Uncertain significance for Inborn genetic diseases. Last evaluated: 2024-11-24. Review status: criteria provided, single submitter. Criteria: Ambry Variant Classification Scheme 2023. Collection method: clinical testing. Allele origin: germline.
Comment: The p.N640D variant (also known as c.1918A>G), located in coding exon 8 of the MECOM gene, results from an A to G substitution at nucleotide position 1918. The asparagine at codon 640 is replaced by aspartic acid, an amino acid with highly similar properties. This amino acid position is conserved. In addition, this alteration is predicted to be tolerated by in silico analysis. Based on the available evidence, the clinical significance of this variant remains unclear.

Labcorp Genetics (formerly Invitae), Labcorp
Classification: Uncertain significance. Last evaluated: 2024-11-21. Review status: criteria provided, single submitter. Criteria: Invitae Variant Classification Sherloc (09022015). Collection method: clinical testing. Allele origin: germline.
Comment: This sequence change replaces asparagine, which is neutral and polar, with aspartic acid, which is acidic and polar, at codon 452 of the MECOM protein (p.Asn452Asp). This variant is present in population databases (no rsID available, gnomAD 0.003%). This variant has not been reported in the literature in individuals affected with MECOM-related conditions. An algorithm developed to predict the effect of missense changes on protein structure and function (PolyPhen-2) suggests that this variant is likely to be tolerated. In summary, the available evidence is currently insufficient to determine the role of this variant in disease. Therefore, it has been classified as a Variant of Uncertain Significance.

NM_004991.4(MECOM):c.1918A>G (p.Asn640Asp)

Gene: MECOM (MDS1 and EVI1 complex locus; minus strand). Cytogenetic location: 3q26.2.
Variant type: single nucleotide variant.
Coding change: c.1918A>G on transcript NM_004991.4 (MANE Select); coding-DNA position 1918, A replaced by G.
Protein change: p.Asn640Asp; replaces asparagine 640 with aspartic acid.
Molecular consequence: missense variant. On other transcripts: intron variant (2).
Genome position (GRCh38, 1-based): chr3:169,115,954, T>C on the plus strand (A>G on the coding strand, the complement: MECOM is on the minus strand). VCF-style: chr3-169115954-T-C. GRCh37 (hg19) VCF-style: chr3-168833742-T-C.
Other names: c.1357A>G, p.Asn453Asp (NM_001366467.2, NM_001366468.2, NM_001366470.2 and 1 more transcripts); c.1354A>G, p.Asn452Asp (NM_001366469.2, NM_001366471.2, NM_001366472.2 and 4 more transcripts); c.1133-187A>G (NM_001366473.2); c.569-187A>G (NM_001366474.2); c.1549A>G, p.Asn517Asp (NM_001105077.4); c.1918A>G, p.Asn640Asp (NM_001366466.2); short protein forms N517D, N453D, N640D, N452D.
Identifiers: ClinVar variation 3394301 (VCV003394301.3).